The following is an entry in ClinVar:

NM_004304.5(ALK):c.3420C>T (p.Asn1140=)

Gene: ALK (ALK receptor tyrosine kinase; minus strand). Cytogenetic location: 2p23.2.
Variant type: single nucleotide variant.
Coding change: c.3420C>T on transcript NM_004304.5 (MANE Select); coding-DNA position 3420, C replaced by T.
Protein change: p.Asn1140=; no amino-acid change (asparagine 1140 retained).
Molecular consequence: synonymous variant.
Genome position (GRCh38, 1-based): chr2:29,222,547, G>A on the plus strand (C>T on the coding strand, the complement: ALK is on the minus strand). VCF-style: chr2-29222547-G-A. GRCh37 (hg19) VCF-style: chr2-29445413-G-A.
Other names: c.216C>T, p.Asn72= (NM_001353765.2).
Identifiers: ClinVar variation 470827 (VCV000470827.41), dbSNP rs150785816, ClinGen allele CA1593958.

ClinVar aggregate classification (germline): Likely benign. Review status: criteria provided, multiple submitters, no conflicts (2 of 4 stars). 4 submissions from 4 submitters: Likely benign (4). Last evaluated 2026-02-01.

Conditions:
Neuroblastoma, susceptibility to, 3. Also called: ALK-Related Neuroblastic Tumor Susceptibility. Identifiers: Orphanet 635, MedGen C2751681, MONDO:0013083, OMIM 613014.
Hereditary cancer-predisposing syndrome. Also called: Hereditary neoplastic syndrome; Tumor predisposition; Neoplastic Syndromes, Hereditary; Hereditary Cancer Syndrome. Identifiers: Orphanet 140162, MedGen C0027672, MeSH D009386, MONDO:0015356.

Allele frequency attached by ClinVar (database versions not stated): TOPMed 0.00005; ESP Exome Variant Server 0.00008.
gnomAD v4.1: 75 of 1,613,964 alleles (0.0046%); highest among the groups gnomAD compares: Admixed American, 0.017%; no homozygotes.

Submissions (4):

CeGaT Center for Human Genetics Tuebingen
Classification: Likely benign. Last evaluated: 2026-02-01. Review status: criteria provided, single submitter. Criteria: CeGaT Center For Human Genetics Tuebingen Variant Classification Criteria Version 2. Collection method: clinical testing. Allele origin: germline. Affected: yes. Observed: 3 variant alleles.
Comment: ALK: BP4, BP7

Labcorp Genetics (formerly Invitae), Labcorp
Classification: Likely benign for Neuroblastoma, susceptibility to, 3. Last evaluated: 2026-01-27. Review status: criteria provided, single submitter. Criteria: Invitae Variant Classification Sherloc (09022015). Collection method: clinical testing. Allele origin: germline.

Blueprint Genetics
Classification: Likely benign. Last evaluated: 2024-10-30. Review status: criteria provided, single submitter. Criteria: ACMG Guidelines, 2015. Collection method: clinical testing. Allele origin: germline.

Ambry Genetics
Classification: Likely benign for Hereditary cancer-predisposing syndrome. Last evaluated: 2018-07-03. Review status: criteria provided, single submitter. Criteria: Ambry Variant Classification Scheme 2023. Collection method: clinical testing. Allele origin: germline.